The following is an entry in ClinVar:

ClinVar aggregate classification (germline): Uncertain significance (1 of 4 stars; one submission).

Conditions:
Early Myoclonic Encephalopathy. Identifiers: MedGen C0270855.

Allele frequency attached by ClinVar (database versions not stated): gnomAD exomes 0.00001.
gnomAD v4.1: 2 of 1,614,082 alleles (0.00012%); highest among the groups gnomAD compares: Admixed American, 0.0033%; no homozygotes.

Submission:

Labcorp Genetics (formerly Invitae), Labcorp
Classification: Uncertain significance for Early Myoclonic Encephalopathy. Last evaluated: 2025-07-08. Review status: criteria provided, single submitter. Criteria: Invitae Variant Classification Sherloc (09022015). Collection method: clinical testing. Allele origin: germline.
Comment: This sequence change replaces glutamine, which is neutral and polar, with histidine, which is basic and polar, at codon 1009 of the JMJD1C protein (p.Gln1009His). This variant is present in population databases (no rsID available, gnomAD 0.006%). This variant has not been reported in the literature in individuals affected with JMJD1C-related conditions. ClinVar contains an entry for this variant (Variation ID: 1026148). Invitae Evidence Modeling of protein sequence and biophysical properties (such as structural, functional, and spatial information, amino acid conservation, physicochemical variation, residue mobility, and thermodynamic stability) indicates that this missense variant is not expected to disrupt JMJD1C protein function with a negative predictive value of 80%. In summary, the available evidence is currently insufficient to determine the role of this variant in disease. Therefore, it has been classified as a Variant of Uncertain Significance.

NM_032776.3(JMJD1C):c.3027G>T (p.Gln1009His)

Gene: JMJD1C (jumonji domain containing 1C; minus strand). Cytogenetic location: 10q21.3.
Variant type: single nucleotide variant.
Coding change: c.3027G>T on transcript NM_032776.3 (MANE Select); coding-DNA position 3027, G replaced by T.
Protein change: p.Gln1009His; replaces glutamine 1009 with histidine.
Molecular consequence: missense variant. On other transcripts: non-coding transcript variant (1).
Genome position (GRCh38, 1-based): chr10:63,208,642, C>A on the plus strand (G>T on the coding strand, the complement: JMJD1C is on the minus strand). VCF-style: chr10-63208642-C-A. GRCh37 (hg19) VCF-style: chr10-64968402-C-A.
Other names: c.2481G>T, p.Gln827His (NM_001282948.2, NM_001318154.2); c.2163G>T, p.Gln721His (NM_001318153.2); c.2913G>T, p.Gln971His (NM_001322252.2); c.2370G>T, p.Gln790His (NM_001322254.2, NM_001322258.2); short protein forms Q1009H, Q721H, Q790H, Q827H, Q971H.
Identifiers: ClinVar variation 1026148 (VCV001026148.8), dbSNP rs1191109718, ClinGen allele CA377043006.